The following is an entry in ClinVar:

ClinVar aggregate classification (germline): Pathogenic (1 of 4 stars; one submission).

Conditions:
Congenital hyperammonemia, type I. Also called: Carbamoyl phosphate synthetase I deficiency disease; CPS I DEFICIENCY; Carbamoyl phosphate synthetase 1 deficiency; Hyperammonemia due to carbamoyl phosphate synthetase 1 deficiency; CPS 1 deficiency; Carbamyl phosphate synthetase (CPS) deficiency. Identifiers: Orphanet 147, MedGen C4082171, MONDO:0009376, OMIM 237300.

Submission:

Labcorp Genetics (formerly Invitae), Labcorp
Classification: Pathogenic for Congenital hyperammonemia, type I. Last evaluated: 2023-06-20. Review status: criteria provided, single submitter. Criteria: Invitae Variant Classification Sherloc (09022015). Collection method: clinical testing. Allele origin: germline.
Comment: For these reasons, this variant has been classified as Pathogenic. This variant has not been reported in the literature in individuals affected with CPS1-related conditions. This variant is not present in population databases (gnomAD no frequency). This sequence change creates a premature translational stop signal (p.Thr459Metfs*3) in the CPS1 gene. It is expected to result in an absent or disrupted protein product. Loss-of-function variants in CPS1 are known to be pathogenic (PMID: 21120950).

Literature cited by the submitters: PubMed 21120950.

NM_001875.5(CPS1):c.1376del (p.Thr459fs)

Gene: CPS1 (carbamoyl-phosphate synthase 1; plus strand). Cytogenetic location: 2q34.
Variant type: Deletion.
Coding change: c.1376del on transcript NM_001875.5 (MANE Select); coding-DNA position 1376, one base deleted (C; older notation c.1376delC).
Protein change: p.Thr459fs; shifts the reading frame from threonine 459.
Molecular consequence: frameshift variant. On other transcripts: non-coding transcript variant (2).
Genome position (GRCh38, 1-based): chr2:210,599,388, C deleted. VCF-style (leftmost placement, unchanged base first): chr2-210599387-AC-A. GRCh37 (hg19) VCF-style: chr2-211464111-AC-A.
Other names: c.1376del, p.Thr459fs (NM_001122633.3, NM_001369257.1); c.1409del, p.Thr470fs (NM_001369256.1); short protein forms T470fs, T459fs.
Identifiers: ClinVar variation 2719465 (VCV002719465.3), dbSNP rs2469146865, ClinGen allele CA2697550356.
Genomic context (GRCh38, chr2:210,599,387, plus strand): 5'-CTTTAGACCATATATTCATGTACTGGATTCTTTTGTTTCTTTCAGGAAGAAAATGTCAAA[AC>A]TGTTCTGATGAACCCAAACATTGCATCAGTCCAGACCAATGAGGTGGGCTTAAAGCAAGC-3'